The following is an entry in ClinVar:

ClinVar aggregate classification (germline): Conflicting classifications of pathogenicity. Review status: criteria provided, conflicting classifications (1 of 4 stars). 2 submissions from 2 submitters: Uncertain significance (1); Likely benign (1). Last evaluated 2025-04-24.

Conditions:
Polycystic kidney disease, adult type (PKD1). Also called: Polycystic Kidney Disease 1, Autosomal Dominant; Polycystic kidney disease 1; Polycystic kidney disease 1, severe; Polycystic Kidney, Autosomal Dominant; POLYCYSTIC KIDNEY DISEASE, ADULT, TYPE I; POLYCYSTIC KIDNEY DISEASE 1 WITH OR WITHOUT POLYCYSTIC LIVER DISEASE. Identifiers: MedGen C3149841, MONDO:0008263, OMIM 173900.
PKD1-related disorder. Also called: PKD1-related condition.

gnomAD v4.1: 79 of 1,565,374 alleles (0.005%); highest among the groups gnomAD compares: Admixed American, 0.017%; no homozygotes.

Submissions (2):

PreventionGenetics, part of Exact Sciences
Classification: Uncertain significance for PKD1-related condition. Last evaluated: 2025-04-24. Review status: criteria provided, single submitter. Criteria: ACMG Guidelines, 2015. Collection method: clinical testing. Allele origin: germline.
Comment: The PKD1 c.6497G>A variant is predicted to result in the amino acid substitution p.Arg2166His. To our knowledge, this variant has not been reported in the literature. This variant is reported in 0.0068% of alleles in individuals of European (Non-Finnish) descent in gnomAD. The REVEL (rare exome variant ensemble learner) program predicts this variant is benign at a "strong" level (Ioannidis et al. 2016. PubMed ID: 27666373; Bergquist et al. 2024. PubMed ID: 39345488). Of note, different substitutions at the same codon have been reported in individuals with ADPKD, but they were reported with other possibly more significant variant(s) in the same patient or alone as likely pathogenic without detailed supportive evidence (p.Arg2166Cys in Garcia-Gonzalez et al. 2007. PubMed ID: 17574468, Liu et al. 2015. PubMed ID: 26632257 and Supplementary Data, Nielsen et al. 2021. PubMed ID: 33639313; p.Arg2166Leu in Supplementary Table 1, Yu et al. 2022. PubMed ID: 35778421). At this time, the clinical significance of the c.6497G>A (p.Arg2166His) variant is uncertain due to the absence of conclusive functional and genetic evidence.

Fulgent Genetics
Classification: Likely benign for Polycystic kidney disease, adult type. Last evaluated: 2024-03-04. Review status: criteria provided, single submitter. Criteria: ACMG Guidelines, 2015. Collection method: clinical testing. Allele origin: germline.

NM_001009944.3(PKD1):c.6497G>A (p.Arg2166His)

Gene: PKD1 (polycystin 1, transient receptor potential channel interacting; minus strand). Cytogenetic location: 16p13.3.
Variant type: single nucleotide variant.
Coding change: c.6497G>A on transcript NM_001009944.3 (MANE Select); coding-DNA position 6497, G replaced by A.
Protein change: p.Arg2166His; replaces arginine 2166 with histidine.
Molecular consequence: missense variant.
Genome position (GRCh38, 1-based): chr16:2,108,670, C>T on the plus strand (G>A on the coding strand, the complement: PKD1 is on the minus strand). VCF-style: chr16-2108670-C-T. GRCh37 (hg19) VCF-style: chr16-2158671-C-T.
Other names: c.6497G>A, p.Arg2166His (NM_000296.4); short protein forms R2166H.
Identifiers: ClinVar variation 3579361 (VCV003579361.2).